The following is an entry in ClinVar:

NM_000059.4(BRCA2):c.329C>A (p.Pro110His)

Gene: BRCA2 (BRCA2 DNA repair associated; plus strand). Cytogenetic location: 13q13.1.
Variant type: single nucleotide variant.
Coding change: c.329C>A on transcript NM_000059.4 (MANE Select); coding-DNA position 329, C replaced by A.
Protein change: p.Pro110His; replaces proline 110 with histidine.
Molecular consequence: missense variant.
Genome position (GRCh38, 1-based): chr13:32,325,088, C>A. VCF-style: chr13-32325088-C-A. GRCh37 (hg19) VCF-style: chr13-32899225-C-A.
Other names: short protein forms P110H.
Identifiers: ClinVar variation 1361731 (VCV001361731.8), dbSNP rs2137446083, ClinGen allele CA387756528.

ClinVar aggregate classification (germline): Uncertain significance (1 of 4 stars; one submission).

Conditions:
Hereditary breast ovarian cancer syndrome. Also called: BRCA1- and BRCA2-Associated Hereditary Breast and Ovarian Cancer; Hereditary breast and ovarian cancer; Hereditary breast and/or ovarian cancer syndrome; Hereditary breast and ovarian cancer syndrome; Hereditary breast and ovarian cancer syndrome (HBOC); Breast and ovarian cancer. Identifiers: Orphanet 145, MedGen C0677776, MeSH D061325, MONDO:0003582. Disease mechanism: loss of function.

Submission:

Labcorp Genetics (formerly Invitae), Labcorp
Classification: Uncertain significance for Hereditary breast ovarian cancer syndrome. Last evaluated: 2021-06-23. Review status: criteria provided, single submitter. Criteria: Invitae Variant Classification Sherloc (09022015). Collection method: clinical testing. Allele origin: germline.
Comment: Advanced modeling of protein sequence and biophysical properties (such as structural, functional, and spatial information, amino acid conservation, physicochemical variation, residue mobility, and thermodynamic stability) performed at Invitae indicates that this missense variant is not expected to disrupt BRCA2 protein function. This variant has not been reported in the literature in individuals with BRCA2-related conditions. This variant is not present in population databases (ExAC no frequency). This sequence change replaces proline with histidine at codon 110 of the BRCA2 protein (p.Pro110His). The proline residue is weakly conserved and there is a moderate physicochemical difference between proline and histidine. In summary, the available evidence is currently insufficient to determine the role of this variant in disease. Therefore, it has been classified as a Variant of Uncertain Significance.